The following is an entry in ClinVar:

NM_001256545.2(MEGF10):c.1216G>A (p.Gly406Arg)

Gene: MEGF10 (multiple EGF like domains 10; plus strand). Cytogenetic location: 5q23.2.
Variant type: single nucleotide variant.
Coding change: c.1216G>A on transcript NM_001256545.2 (MANE Select); coding-DNA position 1216, G replaced by A.
Protein change: p.Gly406Arg; replaces glycine 406 with arginine.
Molecular consequence: missense variant.
Genome position (GRCh38, 1-based): chr5:127,417,723, G>A. VCF-style: chr5-127417723-G-A. GRCh37 (hg19) VCF-style: chr5-126753415-G-A.
Other names: c.1216G>A, p.Gly406Arg (NM_001308119.2, NM_001308121.2, NM_032446.3); short protein forms G406R.
Identifiers: ClinVar variation 1008433 (VCV001008433.4), dbSNP rs776828330, ClinGen allele CA3391526.
Genomic context (GRCh38, chr5:127,417,723, plus strand): 5'-GCCTGCAAGCCGGGCTGGTCAGGACTCTACTGTAATGAGACATGTTCTCCTGGATTCTAC[G>A]GGGAAGCTTGCCAGCAGATCTGCAGCTGCCAAAATGGGGCAGACTGTGACAGTGTGACTG-3'
Protein context (NP_001243474.1, residues 396-416): CNETCSPGFY[Gly406Arg]EACQQICSCQ

ClinVar aggregate classification (germline): Uncertain significance (1 of 4 stars; one submission).

Conditions:
MEGF10-related myopathy (CMYO10A). Also called: Congenital myopathy 10A, severe variant. Identifiers: Orphanet 439212, MedGen C3280679, MONDO:0013731, OMIM 614399.

Allele frequency attached by ClinVar (database versions not stated): gnomAD 0.00001 and 0.00003; gnomAD exomes 0.00003 and 0.00006; ExAC 0.00004; TOPMed 0.00004.
gnomAD v4.1: 85 of 1,613,980 alleles (0.0053%); highest among the groups gnomAD compares: East Asian, 0.011%; no homozygotes.

Submission:

Labcorp Genetics (formerly Invitae), Labcorp
Classification: Uncertain significance for MEGF10-related myopathy. Last evaluated: 2022-05-20. Review status: criteria provided, single submitter. Criteria: Invitae Variant Classification Sherloc (09022015). Collection method: clinical testing. Allele origin: germline.
Comment: This sequence change replaces glycine, which is neutral and non-polar, with arginine, which is basic and polar, at codon 406 of the MEGF10 protein (p.Gly406Arg). This variant is present in population databases (rs776828330, gnomAD 0.01%). This variant has not been reported in the literature in individuals affected with MEGF10-related conditions. ClinVar contains an entry for this variant (Variation ID: 1008433). Algorithms developed to predict the effect of missense changes on protein structure and function (SIFT, PolyPhen-2, Align-GVGD) all suggest that this variant is likely to be disruptive. Algorithms developed to predict the effect of sequence changes on RNA splicing suggest that this variant may create or strengthen a splice site. In summary, the available evidence is currently insufficient to determine the role of this variant in disease. Therefore, it has been classified as a Variant of Uncertain Significance.